The following is an entry in ClinVar:

NM_017654.4(SAMD9):c.883C>A (p.Pro295Thr)

Gene: SAMD9 (sterile alpha motif domain containing 9; minus strand). Cytogenetic location: 7q21.2.
Variant type: single nucleotide variant.
Coding change: c.883C>A on transcript NM_017654.4 (MANE Select); coding-DNA position 883, C replaced by A.
Protein change: p.Pro295Thr; replaces proline 295 with threonine.
Molecular consequence: missense variant.
Genome position (GRCh38, 1-based): chr7:93,105,215, G>T on the plus strand (C>A on the coding strand, the complement: SAMD9 is on the minus strand). VCF-style: chr7-93105215-G-T. GRCh37 (hg19) VCF-style: chr7-92734528-G-T.
Other names: c.883C>A (NM_017654.3); c.883C>A, p.Pro295Thr (NM_001193307.2); short protein forms P295T.
Identifiers: ClinVar variation 2109689 (VCV002109689.2), dbSNP rs150846245, ClinGen allele CA368203510.

ClinVar aggregate classification (germline): Uncertain significance. Review status: criteria provided, multiple submitters, no conflicts (2 of 4 stars). 2 submissions from 2 submitters: Uncertain significance (2). Last evaluated 2025-07-24.

Conditions:
Inborn genetic diseases. Identifiers: MedGen C0950123, MeSH D030342.

Submissions (2):

Ambry Genetics
Classification: Uncertain significance for Inborn genetic diseases. Last evaluated: 2025-07-24. Review status: criteria provided, single submitter. Criteria: Ambry Variant Classification Scheme 2023. Collection method: clinical testing. Allele origin: germline.
Comment: The p.P295T variant (also known as c.883C>A), located in coding exon 1 of the SAMD9 gene, results from a C to A substitution at nucleotide position 883. The proline at codon 295 is replaced by threonine, an amino acid with highly similar properties. This amino acid position is conserved. In addition, this alteration is predicted to be tolerated by in silico analysis. Based on the available evidence, the clinical significance of this variant remains unclear.

Labcorp Genetics (formerly Invitae), Labcorp
Classification: Uncertain significance. Last evaluated: 2022-06-04. Review status: criteria provided, single submitter. Criteria: Invitae Variant Classification Sherloc (09022015). Collection method: clinical testing. Allele origin: germline.
Comment: This sequence change replaces proline, which is neutral and non-polar, with threonine, which is neutral and polar, at codon 295 of the SAMD9 protein (p.Pro295Thr). This variant is present in population databases (no rsID available, gnomAD 0.003%). This variant has not been reported in the literature in individuals affected with SAMD9-related conditions. Algorithms developed to predict the effect of missense changes on protein structure and function (SIFT, PolyPhen-2, Align-GVGD) all suggest that this variant is likely to be tolerated. In summary, the available evidence is currently insufficient to determine the role of this variant in disease. Therefore, it has been classified as a Variant of Uncertain Significance.